The following is an entry in ClinVar:

ClinVar aggregate classification (germline): Uncertain significance (1 of 4 stars; one submission).

Submission:

GeneDx
Classification: Uncertain significance. Last evaluated: 2024-02-28. Review status: criteria provided, single submitter. Criteria: GeneDx Variant Classification Process June 2021. Collection method: clinical testing. Allele origin: germline. Affected: yes.
Comment: Not observed at significant frequency in large population cohorts (gnomAD); In silico analysis supports that this missense variant does not alter protein structure/function; Has not been previously published as pathogenic or benign to our knowledge

NM_001308093.3(GATA4):c.1021C>T (p.Leu341Phe)

Gene: GATA4 (GATA binding protein 4). Cytogenetic location: 8p23.1.
Variant type: single nucleotide variant.
Coding change: c.1021C>T on transcript NM_001308093.3 (MANE Select); coding-DNA position 1021, C replaced by T.
Protein change: p.Leu341Phe; replaces leucine 341 with phenylalanine.
Molecular consequence: missense variant.
Genome position (GRCh38, 1-based): chr8:11,756,955, C>T. VCF-style: chr8-11756955-C-T. GRCh37 (hg19) VCF-style: chr8-11614464-C-T.
Other names: c.400C>T, p.Leu134Phe (NM_001308094.2, NM_001374273.1); c.274C>T, p.Leu92Phe (NM_001374274.1); c.1018C>T, p.Leu340Phe (NM_002052.5); short protein forms L134F, L340F, L341F, L92F.
Identifiers: ClinVar variation 3373269 (VCV003373269.1).